The following is an entry in ClinVar:

NM_001927.4(DES):c.-47C>T

Genes: DES (desmin; plus strand), DES-LCR (desmin locus control region; plus strand). Cytogenetic location: 2q35.
Variant type: single nucleotide variant.
Coding change: c.-47C>T on transcript NM_001927.4 (MANE Select); 47 bases upstream of the start codon, C replaced by T.
Molecular consequence: 5 prime UTR variant.
Genome position (GRCh38, 1-based): chr2:219,418,416, C>T. VCF-style: chr2-219418416-C-T. GRCh37 (hg19) VCF-style: chr2-220283138-C-T.
Other names: c.-47C>T (LRG_380t1).
Identifiers: ClinVar variation 516001 (VCV000516001.1), dbSNP rs749414352, ClinGen allele CA2124994.

ClinVar aggregate classification (germline): Likely benign (1 of 4 stars; one submission).

Allele frequency attached by ClinVar (database versions not stated): gnomAD 0.00001; gnomAD exomes 0.00002 and 0.00005; TOPMed 0.00003; ExAC 0.00004.
gnomAD v4.1: 23 of 1,531,054 alleles (0.0015%); highest among the groups gnomAD compares: Middle Eastern, 0.023%; no homozygotes.

Submission:

GeneDx
Classification: Likely benign. Last evaluated: 2018-03-08. Review status: criteria provided, single submitter. Criteria: GeneDx Variant Classification (06012015). Collection method: clinical testing. Allele origin: germline. Affected: yes.
Comment: This variant is considered likely benign or benign based on one or more of the following criteria: it is a conservative change, it occurs at a poorly conserved position in the protein, it is predicted to be benign by multiple in silico algorithms, and/or has population frequency not consistent with disease.